The following is an entry in ClinVar:

ClinVar aggregate classification (germline): Uncertain significance (1 of 4 stars; one submission).

Submission:

Ambry Genetics
Classification: Uncertain significance. Last evaluated: 2022-09-03. Review status: criteria provided, single submitter. Criteria: Ambry Variant Classification Scheme 2023. Collection method: clinical testing. Allele origin: germline.
Comment: The p.G2129A variant (also known as c.6386G>C), located in coding exon 12 of the ALPK2 gene, results from a G to C substitution at nucleotide position 6386. The glycine at codon 2129 is replaced by alanine, an amino acid with similar properties. This amino acid position is conserved. In addition, this alteration is predicted to be tolerated by in silico analysis. Since supporting evidence is limited at this time, the clinical significance of this alteration remains unclear.

NM_052947.4(ALPK2):c.6386G>C (p.Gly2129Ala)

Gene: ALPK2 (alpha kinase 2; minus strand). Cytogenetic location: 18q21.31.
Variant type: single nucleotide variant.
Coding change: c.6386G>C on transcript NM_052947.4 (MANE Select); coding-DNA position 6386, G replaced by C.
Protein change: p.Gly2129Ala; replaces glycine 2129 with alanine.
Molecular consequence: missense variant.
Genome position (GRCh38, 1-based): chr18:58,481,950, C>G on the plus strand (G>C on the coding strand, the complement: ALPK2 is on the minus strand). VCF-style: chr18-58481950-C-G. GRCh37 (hg19) VCF-style: chr18-56149182-C-G.
Other names: short protein forms G2129A.
Identifiers: ClinVar variation 1753193 (VCV001753193.2), dbSNP rs753325716, ClinGen allele CA402538600.